The following is an entry in ClinVar:

ClinVar aggregate classification (germline): Benign/Likely benign. Review status: criteria provided, multiple submitters, no conflicts (2 of 4 stars). 4 submissions from 4 submitters: Benign (1); Likely benign (2). 1 of the submissions does not count toward it. Last evaluated 2026-01-05.

Conditions:
Inborn genetic diseases. Identifiers: MedGen C0950123, MeSH D030342.

Submissions (4):

Labcorp Genetics (formerly Invitae), Labcorp
Classification: Likely benign. Last evaluated: 2026-01-05. Review status: criteria provided, single submitter. Criteria: Invitae Variant Classification Sherloc (09022015). Collection method: clinical testing. Allele origin: germline.

Ambry Genetics
Classification: Likely benign for Inborn genetic diseases. Last evaluated: 2023-11-22. Review status: criteria provided, single submitter. Criteria: Ambry Variant Classification Scheme 2023. Collection method: clinical testing. Allele origin: germline.

CeGaT Center for Human Genetics Tuebingen
Classification: Benign. Last evaluated: 2023-02-01. Review status: criteria provided, single submitter. Criteria: CeGaT Center For Human Genetics Tuebingen Variant Classification Criteria Version 2. Collection method: clinical testing. Allele origin: germline. Affected: yes. Observed: 2 variant alleles.
Comment: RAI1: BS1, BS2

Gharavi Laboratory, Columbia University
Classification: Uncertain significance. Last evaluated: 2018-09-16. Review status: no assertion criteria provided. Criteria: ACMG Guidelines, 2015. Collection method: research. Allele origin: germline. Affected: yes. Not counted in ClinVar's aggregate classification.

NM_030665.4(RAI1):c.834GCA[16] (p.Gln289_Gln291dup)

Gene: RAI1 (retinoic acid induced 1; plus strand). Cytogenetic location: 17p11.2.
Variant type: Microsatellite.
Coding change: c.834GCA[16] on transcript NM_030665.4 (MANE Select); 16 copies in a row of the 3-base unit GCA starting at c.834; the reference has 13 copies in a row; three copies, 9 bases duplicated.
Protein change: p.Gln289_Gln291dup.
Molecular consequence: inframe insertion.
Genome position (GRCh38, 1-based): chr17:17,793,812-17,793,820, GCAGCAGCA duplicated; duplicating any 9 consecutive bases within chr17:17,793,780-17,793,820 gives the same sequence; the position shown is the placement nearest the transcript's 3' end. VCF-style (leftmost placement, unchanged base first): chr17-17793779-C-CCAGCAGCAG. GRCh37 (hg19) VCF-style: chr17-17697093-C-CCAGCAGCAG.
Other names: c.864_872dupGCAGCAGCA (NM_030665.3).
Identifiers: ClinVar variation 591215 (VCV000591215.33), dbSNP rs371983878, ClinGen allele CA498422995.